The following is an entry in ClinVar:

NM_024408.4(NOTCH2):c.2840A>G (p.Gln947Arg)

Gene: NOTCH2 (notch receptor 2; minus strand). Cytogenetic location: 1p12.
Variant type: single nucleotide variant.
Coding change: c.2840A>G on transcript NM_024408.4 (MANE Select); coding-DNA position 2840, A replaced by G.
Protein change: p.Gln947Arg; replaces glutamine 947 with arginine.
Molecular consequence: missense variant.
Genome position (GRCh38, 1-based): chr1:119,941,667, T>C on the plus strand (A>G on the coding strand, the complement: NOTCH2 is on the minus strand). VCF-style: chr1-119941667-T-C. GRCh37 (hg19) VCF-style: chr1-120484290-T-C.
Other names: c.2840A>G, p.Gln947Arg (NM_001200001.2); short protein forms Q947R.
Identifiers: ClinVar variation 2784763 (VCV002784763.3), dbSNP rs977713300, ClinGen allele CA30283410.

ClinVar aggregate classification (germline): Uncertain significance (1 of 4 stars; one submission).

Conditions:
Hajdu-Cheney syndrome (HJCYS). Also called: ACROOSTEOLYSIS WITH OSTEOPOROSIS AND CHANGES IN SKULL AND MANDIBLE; Acroosteolysis dominant type; SERPENTINE FIBULA-POLYCYSTIC KIDNEY SYNDROME. Identifiers: Orphanet 955, MedGen C0917715, MONDO:0007057, OMIM 102500.

Allele frequency attached by ClinVar (database versions not stated): gnomAD exomes below 0.00001; gnomAD 0.00001; TOPMed 0.00001.
gnomAD v4.1: 3 of 1,614,052 alleles (0.00019%); highest among the groups gnomAD compares: African/African-American, 0.004%; no homozygotes.

Submission:

Labcorp Genetics (formerly Invitae), Labcorp
Classification: Uncertain significance for Hajdu-Cheney syndrome. Last evaluated: 2025-10-04. Review status: criteria provided, single submitter. Criteria: Invitae Variant Classification Sherloc (09022015). Collection method: clinical testing. Allele origin: germline.
Comment: This sequence change replaces glutamine, which is neutral and polar, with arginine, which is basic and polar, at codon 947 of the NOTCH2 protein (p.Gln947Arg). This variant is present in population databases (no rsID available, gnomAD 0.01%). This variant has not been reported in the literature in individuals affected with NOTCH2-related conditions. ClinVar contains an entry for this variant (Variation ID: 2784763). Invitae Evidence Modeling of protein sequence and biophysical properties (such as structural, functional, and spatial information, amino acid conservation, physicochemical variation, residue mobility, and thermodynamic stability) indicates that this missense variant is not expected to disrupt NOTCH2 protein function with a negative predictive value of 80%. In summary, the available evidence is currently insufficient to determine the role of this variant in disease. Therefore, it has been classified as a Variant of Uncertain Significance.